The following is an entry in ClinVar:

NM_001365951.3(KIF1B):c.1608C>A (p.Asn536Lys)

Gene: KIF1B (kinesin family member 1B; plus strand). Cytogenetic location: 1p36.22.
Variant type: single nucleotide variant.
Coding change: c.1608C>A on transcript NM_001365951.3 (MANE Select); coding-DNA position 1608, C replaced by A.
Protein change: p.Asn536Lys; replaces asparagine 536 with lysine.
Molecular consequence: missense variant.
Genome position (GRCh38, 1-based): chr1:10,295,103, C>A. VCF-style: chr1-10295103-C-A. GRCh37 (hg19) VCF-style: chr1-10355161-C-A.
Other names: c.1608C>A, p.Asn536Lys (NM_001365952.1); c.1470C>A, p.Asn490Lys (NM_001365953.1, NM_015074.3, NM_183416.4); short protein forms N490K, N536K.
Identifiers: ClinVar variation 5023213 (VCV005023213.1).

ClinVar aggregate classification (germline): Uncertain significance (1 of 4 stars; one submission).

Submission:

Ambry Genetics
Classification: Uncertain significance. Last evaluated: 2026-08-08. Review status: criteria provided, single submitter. Criteria: Ambry Variant Classification Scheme 2023. Collection method: clinical testing. Allele origin: germline.
Comment: The p.N490K variant (also known as c.1470C>A), located in coding exon 15 of the KIF1B gene, results from a C to A substitution at nucleotide position 1470. The asparagine at codon 490 is replaced by lysine, an amino acid with similar properties. This amino acid position is conserved. In addition, the in silico prediction for this alteration is inconclusive. Based on the available evidence, the clinical significance of this variant remains unclear.